The following is an entry in ClinVar:

ClinVar aggregate classification (germline): Uncertain significance (1 of 4 stars; one submission).

Conditions:
Werner syndrome (WRN). Identifiers: Orphanet 902, MedGen C0043119, MONDO:0010196, OMIM 277700.

Allele frequency attached by ClinVar (database versions not stated): gnomAD exomes 0.00002 and 0.00004; TOPMed 0.00003; ExAC 0.00004; gnomAD 0.00004; 1000 Genomes Project 30x 0.00016; 1000 Genomes Project 0.00020.
gnomAD v4.1: 41 of 1,612,878 alleles (0.0025%); highest among the groups gnomAD compares: South Asian, 0.0033%; no homozygotes.

Submission:

Labcorp Genetics (formerly Invitae), Labcorp
Classification: Uncertain significance for Werner syndrome. Last evaluated: 2025-05-27. Review status: criteria provided, single submitter. Criteria: Invitae Variant Classification Sherloc (09022015). Collection method: clinical testing. Allele origin: germline.
Comment: This sequence change replaces arginine, which is basic and polar, with histidine, which is basic and polar, at codon 834 of the WRN protein (p.Arg834His). This variant is present in population databases (rs201442356, gnomAD 0.03%). This variant has not been reported in the literature in individuals affected with WRN-related conditions. ClinVar contains an entry for this variant (Variation ID: 528176). An algorithm developed to predict the effect of missense changes on protein structure and function (PolyPhen-2) suggests that this variant is likely to be disruptive. In summary, the available evidence is currently insufficient to determine the role of this variant in disease. Therefore, it has been classified as a Variant of Uncertain Significance.

NM_000553.6(WRN):c.2501G>A (p.Arg834His)

Gene: WRN (WRN RecQ like helicase; plus strand). Cytogenetic location: 8p12.
Variant type: single nucleotide variant.
Coding change: c.2501G>A on transcript NM_000553.6 (MANE Select); coding-DNA position 2501, G replaced by A.
Protein change: p.Arg834His; replaces arginine 834 with histidine.
Molecular consequence: missense variant.
Genome position (GRCh38, 1-based): chr8:31,120,295, G>A. VCF-style: chr8-31120295-G-A. GRCh37 (hg19) VCF-style: chr8-30977811-G-A.
Other names: short protein forms R834H.
Identifiers: ClinVar variation 528176 (VCV000528176.8), dbSNP rs201442356, ClinGen allele CA4704765.
Genomic context (GRCh38, chr8:31,120,295, plus strand): 5'-GTTCTCAGTGTGTCATAGCTACCATAGCTTTTGGAATGGGCATTAATAAAGCTGACATTC[G>A]CCAAGTCATTCATTACGGTGCTCCTAAGGACATGGAATCATATTATCAGGAGATTGGTAG-3'
Protein context (NP_000544.2, residues 824-844): FGMGINKADI[Arg834His]QVIHYGAPKD